The following is an entry in ClinVar:

NM_001166108.2(PALLD):c.-162C>T

Gene: PALLD (palladin, cytoskeletal associated protein; plus strand). Cytogenetic location: 4q32.3.
Variant type: single nucleotide variant.
Coding change: c.-162C>T on transcript NM_001166108.2 (MANE Select); 162 bases upstream of the start codon, C replaced by T.
Molecular consequence: 5 prime UTR variant.
Genome position (GRCh38, 1-based): chr4:168,497,115, C>T. VCF-style: chr4-168497115-C-T. GRCh37 (hg19) VCF-style: chr4-169418266-C-T.
Other names: c.-162C>T (NM_016081.4).
Identifiers: ClinVar variation 902038 (VCV000902038.4), dbSNP rs538959058, ClinGen allele CA109869179.
Genomic context (GRCh38, chr4:168,497,115, plus strand): 5'-GTTGCCTCAAAGTGACCACGGACCAGGCAGTCTCTAATGAATAGGCAAGGCCACAACCTC[C>T]ATTCTCCCAGAAAAGAAGAAATGCTCATCTGAAATTCATCACCTCTCTGGAGTCTTCAAA-3'

ClinVar aggregate classification (germline): Benign (1 of 4 stars; one submission).

Conditions:
Pancreatic cancer, susceptibility to, 1. Identifiers: Orphanet 1333, MedGen C1847351, MONDO:0011739, OMIM 606856.

Allele frequency attached by ClinVar (database versions not stated): gnomAD below 0.00001 and 0.00002; 1000 Genomes Project 30x 0.00031; 1000 Genomes Project 0.00040.
gnomAD v4.1: 3 of 152,294 alleles (0.002%); highest among the groups gnomAD compares: South Asian, 0.062%; no homozygotes.

Submission:

Illumina Laboratory Services, Illumina
Classification: Benign for Pancreatic cancer, susceptibility to, 1. Last evaluated: 2018-01-13. Review status: criteria provided, single submitter. Criteria: ICSL Variant Classification Criteria 13 December 2019. Collection method: clinical testing. Allele origin: germline.
Comment: This variant was observed in the ICSL laboratory as part of a predisposition screen in an ostensibly healthy population. It had not been previously curated by ICSL or reported in the Human Gene Mutation Database (HGMD: prior to June 1st, 2018), and was therefore a candidate for classification through an automated scoring system. Utilizing variant allele frequency, disease prevalence and penetrance estimates, and inheritance mode, an automated score was calculated to assess if this variant is too frequent to cause the disease. Based on the score and internal cut-off values, a variant classified as benign is not then subjected to further curation. The score for this variant resulted in a classification of benign for this disease.